The following is an entry in ClinVar:

NM_006306.4(SMC1A):c.2314G>T (p.Val772Leu)

Gene: SMC1A (structural maintenance of chromosomes 1A; minus strand). Cytogenetic location: Xp11.22.
Variant type: single nucleotide variant.
Coding change: c.2314G>T on transcript NM_006306.4 (MANE Select); coding-DNA position 2314, G replaced by T.
Protein change: p.Val772Leu; replaces valine 772 with leucine.
Molecular consequence: missense variant.
Genome position (GRCh38, 1-based): chrX:53,403,672, C>A on the plus strand (G>T on the coding strand, the complement: SMC1A is on the minus strand). VCF-style: chrX-53403672-C-A. GRCh37 (hg19) VCF-style: chrX-53430604-C-A.
Other names: c.2248G>T, p.Val750Leu (NM_001281463.1); short protein forms V772L, V750L.
Identifiers: ClinVar variation 941035 (VCV000941035.9), dbSNP rs2075680361, ClinGen allele CA413251136.

ClinVar aggregate classification (germline): Uncertain significance (1 of 4 stars; one submission).

Conditions:
Congenital muscular hypertrophy-cerebral syndrome (CDLS2). Also called: SMC1A-Related Cornelia de Lange Syndrome; Cornelia de Lange syndrome 2. Identifiers: Orphanet 199, MedGen C1802395, MONDO:0010370, OMIM 300590.

Submission:

Labcorp Genetics (formerly Invitae), Labcorp
Classification: Uncertain significance for Congenital muscular hypertrophy-cerebral syndrome. Last evaluated: 2019-08-14. Review status: criteria provided, single submitter. Criteria: Invitae Variant Classification Sherloc (09022015). Collection method: clinical testing. Allele origin: germline.
Comment: This sequence change replaces valine with leucine at codon 772 of the SMC1A protein (p.Val772Leu). The valine residue is highly conserved and there is a small physicochemical difference between valine and leucine. This variant is not present in population databases (ExAC no frequency). This variant has not been reported in the literature in individuals with SMC1A-related conditions. Algorithms developed to predict the effect of missense changes on protein structure and function are either unavailable or do not agree on the potential impact of this missense change (SIFT: "Tolerated"; PolyPhen-2: "Possibly Damaging"; Align-GVGD: "Class C0"). Algorithms developed to predict the effect of sequence changes on RNA splicing suggest that this variant may disrupt the consensus splice site, but this prediction has not been confirmed by published transcriptional studies. In summary, the available evidence is currently insufficient to determine the role of this variant in disease. Therefore, it has been classified as a Variant of Uncertain Significance.